The following is an entry in ClinVar:

NM_001276345.2(TNNT2):c.719+3G>C

Gene: TNNT2 (troponin T2, cardiac type; minus strand). Cytogenetic location: 1q32.1.
Variant type: single nucleotide variant.
Coding change: c.719+3G>C on transcript NM_001276345.2 (MANE Select); 3 bases into the intron after coding-DNA position 719, G replaced by C.
Molecular consequence: intron variant.
Genome position (GRCh38, 1-based): chr1:201,361,910, C>G on the plus strand (G>C on the coding strand, the complement: TNNT2 is on the minus strand). VCF-style: chr1-201361910-C-G. GRCh37 (hg19) VCF-style: chr1-201331038-C-G.
Other names: c.680+3G>C (NM_001406727.1, NM_001001431.3, NM_001406726.1); c.689+3G>C (NM_001406724.1, NM_001001430.3, NM_001276347.2); c.671+3G>C (NM_001001432.3); c.674+3G>C (NM_001406728.1); c.686+3G>C (NM_001406725.1); c.590+3G>C (NM_001276346.2); c.710+3G>C (NM_000364.4, NM_001406723.1).
Identifiers: ClinVar variation 2564933 (VCV002564933.2), dbSNP rs111451787, ClinGen allele CA35418666.

ClinVar aggregate classification (germline): Uncertain significance (1 of 4 stars; one submission).

Conditions:
Cardiovascular phenotype. Identifiers: MedGen CN230736.

Submission:

Ambry Genetics
Classification: Uncertain significance for Cardiovascular phenotype. Last evaluated: 2023-03-31. Review status: criteria provided, single submitter. Criteria: Ambry Variant Classification Scheme 2023. Collection method: clinical testing. Allele origin: germline.
Comment: The c.689+3G>C intronic variant results from a G to C substitution 3 nucleotides after coding exon 12 in the TNNT2 gene. This nucleotide position is not well conserved in available vertebrate species. In silico splice site analysis for this alteration is inconclusive. Since supporting evidence is limited at this time, the clinical significance of this alteration remains unclear.